The following is an entry in ClinVar:

ClinVar aggregate classification (germline): Pathogenic. Review status: criteria provided, single submitter (1 of 4 stars). 2 submissions from 2 submitters: Pathogenic (1). 1 of the submissions does not count toward it.

Conditions:
DDX41-related hematologic malignancy predisposition syndrome. Also called: Myeloproliferative/lymphoproliferative neoplasms, familial (multiple types), susceptibility to; DDX41-Associated Familial Myelodysplastic Syndrome and Acute Myeloid Leukemia. Identifiers: Orphanet 488647, MedGen C4225174, MONDO:0014809, OMIM 616871.

Submissions (2):

Juno Genomics, Hangzhou Juno Genomics, Inc
Classification: Pathogenic for DDX41-related hematologic malignancy predisposition syndrome. Review status: criteria provided, single submitter. Criteria: ACMG Guidelines, 2015. Collection method: clinical testing. Allele origin: germline.
Comment: Absent from controls (or at extremely low frequency if recessive) in Genome Aggregation Database.;Null variant in a gene where loss of function (LOF) is a known mechanism of disease.;The prevalence of the variant in affected individuals is significantly increased compared to the prevalence in controls.

GeneReviews
No classification provided. Condition: DDX41-related hematologic malignancy predisposition syndrome. Review status: no classification provided. Collection method: literature only. Allele origin: germline. Not counted in ClinVar's aggregate classification.
Comment: Common recurrent germline variant in persons of Korean & Japanese ancestry [Choi et al 2021]

Literature cited by the submitters: PubMed 33626862 (cited by GeneReviews).

NM_016222.4(DDX41):c.19G>T (p.Glu7Ter)

Gene: DDX41 (DEAD-box helicase 41; minus strand). Cytogenetic location: 5q35.3.
Variant type: single nucleotide variant.
Coding change: c.19G>T on transcript NM_016222.4 (MANE Select); coding-DNA position 19, G replaced by T.
Protein change: p.Glu7Ter; replaces glutamic acid 7 with a stop codon.
Molecular consequence: nonsense. On other transcripts: 5 prime UTR variant (2).
Genome position (GRCh38, 1-based): chr5:177,516,927, C>A on the plus strand (G>T on the coding strand, the complement: DDX41 is on the minus strand). VCF-style: chr5-177516927-C-A. GRCh37 (hg19) VCF-style: chr5-176943928-C-A.
Other names: c.-637G>T (NM_001321732.2); c.-429G>T (NM_001321830.2); short protein forms E7*.
Identifiers: ClinVar variation 1312509 (VCV001312509.4), dbSNP rs749405703, ClinGen allele CA362378171.
Genomic context (GRCh38, chr5:177,516,927, plus strand): 5'-CTCCCCTCTTCACGCCCGCTCCCACACGCGCGGGGTCTCGCCTCTCTCCTACCTTCCGTT[C>A]GGGTTCCGACTCCTCCATTCTTTGCTGCACGCATGCGCGCCACGGCGAAACCCCGCCTCA-3'